The following is an entry in ClinVar:

NM_006180.6(NTRK2):c.1684G>A (p.Glu562Lys)

Gene: NTRK2 (neurotrophic receptor tyrosine kinase 2; plus strand). Cytogenetic location: 9q21.33.
Variant type: single nucleotide variant.
Coding change: c.1684G>A on transcript NM_006180.6 (MANE Select); coding-DNA position 1684, G replaced by A.
Protein change: p.Glu562Lys; replaces glutamic acid 562 with lysine.
Molecular consequence: missense variant.
Genome position (GRCh38, 1-based): chr9:84,934,212, G>A. VCF-style: chr9-84934212-G-A. GRCh37 (hg19) VCF-style: chr9-87549127-G-A.
Other names: c.1636G>A, p.Glu546Lys (NM_001018064.3, NM_001369532.1, NM_001369533.1); c.1600G>A, p.Glu534Lys (NM_001369534.1); c.1168G>A, p.Glu390Lys (NM_001369535.1); c.1216G>A, p.Glu406Lys (NM_001369536.1); c.1684G>A, p.Glu562Lys (NM_001381928.1); c.1684G>A (NM_006180.4); short protein forms E390K, E406K, E534K, E546K, E562K.
Identifiers: ClinVar variation 1712566 (VCV001712566.3), dbSNP rs2491372930, ClinGen allele CA374006393.
Genomic context (GRCh38, chr9:84,934,212, plus strand): 5'-TGTTTTGCAGTTGTTCAGCACATCAAGCGACATAACATTGTTCTGAAAAGGGAGCTAGGC[G>A]AAGGAGCCTTTGGAAAAGTGTTCCTAGCTGAATGCTATAACCTCTGTCCTGAGCAGGACA-3'
Protein context (NP_006171.2, residues 552-572): HNIVLKRELG[Glu562Lys]GAFGKVFLAE

ClinVar aggregate classification (germline): Uncertain significance. Review status: criteria provided, single submitter (1 of 4 stars). 2 submissions from 2 submitters: Uncertain significance (1). 1 of the submissions does not count toward it. Last evaluated 2022-04-29.

Conditions:
NTRK2-related disorder. Also called: NTRK2-related condition.

Allele frequency attached by ClinVar (database versions not stated): gnomAD exomes below 0.00001.
gnomAD v4.1: 1 of 1,614,008 alleles (0.000062%); highest among the groups gnomAD compares: Non-Finnish European, 0.000085%; no homozygotes.

Submissions (2):

GeneDx
Classification: Uncertain significance. Last evaluated: 2022-04-29. Review status: criteria provided, single submitter. Criteria: GeneDx Variant Classification Process June 2021. Collection method: clinical testing. Allele origin: germline. Affected: yes.
Comment: Not observed at significant frequency in large population cohorts (gnomAD); In silico analysis supports that this missense variant has a deleterious effect on protein structure/function; Has not been previously published as pathogenic or benign to our knowledge

PreventionGenetics, part of Exact Sciences
Classification: Uncertain significance for NTRK2-related condition. Last evaluated: 2024-05-17. Review status: no assertion criteria provided. Collection method: clinical testing. Allele origin: germline. Not counted in ClinVar's aggregate classification.
Comment: The NTRK2 c.1684G>A variant is predicted to result in the amino acid substitution p.Glu562Lys. To our knowledge, this variant has not been reported in the literature or in a large population database, indicating this variant is rare. At this time, the clinical significance of this variant is uncertain due to the absence of conclusive functional and genetic evidence.